The following is an entry in ClinVar:

ClinVar aggregate classification (germline): Uncertain significance (1 of 4 stars; one submission).

Submission:

GeneDx
Classification: Uncertain significance. Last evaluated: 2025-06-05. Review status: criteria provided, single submitter. Criteria: GeneDx Variant Classification Process June 2021. Collection method: clinical testing. Allele origin: germline. Affected: yes.
Comment: Not observed at significant frequency in large population cohorts (gnomAD); In silico analysis supports that this missense variant has a deleterious effect on protein structure/function; Has not been previously published as pathogenic or benign to our knowledge

NM_003047.5(SLC9A1):c.1205C>T (p.Thr402Met)

Gene: SLC9A1 (solute carrier family 9 member A1; minus strand). Cytogenetic location: 1p36.11.
Variant type: single nucleotide variant.
Coding change: c.1205C>T on transcript NM_003047.5 (MANE Select); coding-DNA position 1205, C replaced by T.
Protein change: p.Thr402Met; replaces threonine 402 with methionine.
Molecular consequence: missense variant. On other transcripts: non-coding transcript variant (1).
Genome position (GRCh38, 1-based): chr1:27,107,725, G>A on the plus strand (C>T on the coding strand, the complement: SLC9A1 is on the minus strand). VCF-style: chr1-27107725-G-A. GRCh37 (hg19) VCF-style: chr1-27434216-G-A.
Other names: short protein forms T402M.
Identifiers: ClinVar variation 4536436 (VCV004536436.1).